The following is an entry in ClinVar:

NM_004415.4(DSP):c.4447A>T (p.Ile1483Leu)

Gene: DSP (desmoplakin; plus strand). Cytogenetic location: 6p24.3.
Variant type: single nucleotide variant.
Coding change: c.4447A>T on transcript NM_004415.4 (MANE Select); coding-DNA position 4447, A replaced by T.
Protein change: p.Ile1483Leu; replaces isoleucine 1483 with leucine.
Molecular consequence: missense variant. On other transcripts: intron variant (2).
Genome position (GRCh38, 1-based): chr6:7,580,637, A>T. VCF-style: chr6-7580637-A-T. GRCh37 (hg19) VCF-style: chr6-7580870-A-T.
Other names: c.4447A>T (LRG_423t1); c.4050+397A>T (NM_001319034.2); c.3582+865A>T (NM_001008844.3); short protein forms I1483L.
Identifiers: ClinVar variation 626744 (VCV000626744.5), dbSNP rs775143161, ClinGen allele CA133969750.

ClinVar aggregate classification (germline): Uncertain significance. Review status: criteria provided, multiple submitters, no conflicts (2 of 4 stars). 4 submissions from 4 submitters: Uncertain significance (4). Last evaluated 2025-07-14.

Conditions:
Cardiomyopathy (CMYO). Also called: Cardiomyopathies. Identifiers: Orphanet 167848, MedGen C0878544, MONDO:0004994, HP:0001638. Inheritance: Various modes of inheritance.
Cardiovascular phenotype. Identifiers: MedGen CN230736.
Arrhythmogenic right ventricular dysplasia 8 (ARVD8). Also called: ARRHYTHMOGENIC RIGHT VENTRICULAR CARDIOMYOPATHY 8; Arrhythmogenic Right Ventricular Dysplasia/Cardiomyopathy 8; ARRHYTHMOGENIC RIGHT VENTRICULAR DYSPLASIA, FAMILIAL, 8. Identifiers: MedGen C1843896, MONDO:0011831, OMIM 607450.
Arrhythmogenic cardiomyopathy with wooly hair and keratoderma. Also called: Carvajal syndrome; PALMOPLANTAR KERATODERMA WITH LEFT VENTRICULAR CARDIOMYOPATHY AND WOOLLY HAIR; Dilated cardiomyopathy with woolly hair and keratoderma; Arrhythmogenic cardiomyopathy with woolly hair and keratoderma. Identifiers: Orphanet 65282, MedGen C1854063, MONDO:0011581, OMIM 605676.

Allele frequency attached by ClinVar (database versions not stated): gnomAD exomes below 0.00001; gnomAD 0.00001; TOPMed 0.00001.
gnomAD v4.1: 20 of 1,614,000 alleles (0.0012%); highest among the groups gnomAD compares: Non-Finnish European, 0.0017%; no homozygotes.

Submissions (4):

Ambry Genetics
Classification: Uncertain significance for Cardiovascular phenotype. Last evaluated: 2025-07-14. Review status: criteria provided, single submitter. Criteria: Ambry Variant Classification Scheme 2023. Collection method: clinical testing. Allele origin: germline.

Labcorp Genetics (formerly Invitae), Labcorp
Classification: Uncertain significance for Arrhythmogenic cardiomyopathy with wooly hair and keratoderma; Arrhythmogenic right ventricular dysplasia 8. Last evaluated: 2024-10-31. Review status: criteria provided, single submitter. Criteria: Invitae Variant Classification Sherloc (09022015). Collection method: clinical testing. Allele origin: germline.
Comment: This sequence change replaces isoleucine, which is neutral and non-polar, with leucine, which is neutral and non-polar, at codon 1483 of the DSP protein (p.Ile1483Leu). This variant is present in population databases (rs775143161, gnomAD 0.0009%). This variant has not been reported in the literature in individuals affected with DSP-related conditions. ClinVar contains an entry for this variant (Variation ID: 626744). An algorithm developed to predict the effect of missense changes on protein structure and function outputs the following: PolyPhen-2: "Benign". The leucine amino acid residue is found in multiple mammalian species, which suggests that this missense change does not adversely affect protein function. In summary, the available evidence is currently insufficient to determine the role of this variant in disease. Therefore, it has been classified as a Variant of Uncertain Significance.

Color Diagnostics, LLC DBA Color Health
Classification: Uncertain significance for Cardiomyopathy. Last evaluated: 2023-11-09. Review status: criteria provided, single submitter. Criteria: ACMG Guidelines, 2015. Collection method: clinical testing. Allele origin: germline.
Comment: This missense variant replaces isoleucine with leucine at codon 1483 of the DSP protein. Computational prediction suggests that this variant may not impact protein structure and function. To our knowledge, functional studies have not been reported for this variant. This variant has not been reported in individuals affected with cardiovascular disorders in the literature. This variant has been identified in 1/250306 chromosomes in the general population by the Genome Aggregation Database (gnomAD). The available evidence is insufficient to determine the role of this variant in disease conclusively. Therefore, this variant is classified as a Variant of Uncertain Significance.

CHEO Genetics Diagnostic Laboratory, Children's Hospital of Eastern Ontario
Classification: Uncertain significance for Cardiomyopathy. Last evaluated: 2015-10-22. Review status: criteria provided, single submitter. Criteria: ACMG Guidelines, 2015. Collection method: clinical testing. Allele origin: germline. Study: Canadian Open Genetics Repository.